The following is an entry in ClinVar:

NM_001291303.3(FAT4):c.11081C>T (p.Thr3694Ile)

Gene: FAT4 (FAT atypical cadherin 4; plus strand). Cytogenetic location: 4q28.1.
Variant type: single nucleotide variant.
Coding change: c.11081C>T on transcript NM_001291303.3 (MANE Select); coding-DNA position 11081, C replaced by T.
Protein change: p.Thr3694Ile; replaces threonine 3694 with isoleucine.
Molecular consequence: missense variant.
Genome position (GRCh38, 1-based): chr4:125,452,091, C>T. VCF-style: chr4-125452091-C-T. GRCh37 (hg19) VCF-style: chr4-126373246-C-T.
Other names: c.11081C>T, p.Thr3694Ile (NM_001291285.3); c.11075C>T, p.Thr3692Ile (NM_024582.6); short protein forms T3692I, T3694I.
Identifiers: ClinVar variation 1914240 (VCV001914240.2), dbSNP rs140885137, ClinGen allele CA3073782.

ClinVar aggregate classification (germline): Uncertain significance (1 of 4 stars; one submission).

Allele frequency attached by ClinVar (database versions not stated): TOPMed below 0.00001; gnomAD exomes 0.00001; ExAC 0.00002; 1000 Genomes Project 30x 0.00016; 1000 Genomes Project 0.00020.
gnomAD v4.1: 12 of 1,614,196 alleles (0.00074%); highest among the groups gnomAD compares: East Asian, 0.011%; no homozygotes.

Submission:

Labcorp Genetics (formerly Invitae), Labcorp
Classification: Uncertain significance. Last evaluated: 2021-12-23. Review status: criteria provided, single submitter. Criteria: Invitae Variant Classification Sherloc (09022015). Collection method: clinical testing. Allele origin: germline.
Comment: This sequence change replaces threonine, which is neutral and polar, with isoleucine, which is neutral and non-polar, at codon 3692 of the FAT4 protein (p.Thr3692Ile). This variant is present in population databases (rs140885137, gnomAD 0.01%). This variant has not been reported in the literature in individuals affected with FAT4-related conditions. Advanced modeling of protein sequence and biophysical properties (such as structural, functional, and spatial information, amino acid conservation, physicochemical variation, residue mobility, and thermodynamic stability) performed at Invitae indicates that this missense variant is not expected to disrupt FAT4 protein function. In summary, the available evidence is currently insufficient to determine the role of this variant in disease. Therefore, it has been classified as a Variant of Uncertain Significance.